The following is an entry in ClinVar:

ClinVar aggregate classification (germline): Likely benign. Review status: criteria provided, multiple submitters, no conflicts (2 of 4 stars). 4 submissions from 4 submitters: Likely benign (4). Last evaluated 2025-12-01.

Conditions:
Cardiovascular phenotype. Identifiers: MedGen CN230736.

Allele frequency attached by ClinVar (database versions not stated): ExAC 0.00001; gnomAD exomes 0.00002 and 0.00004; gnomAD 0.00003; TOPMed 0.00003.
gnomAD v4.1: 67 of 1,612,534 alleles (0.0042%); highest among the groups gnomAD compares: Non-Finnish European, 0.0054%; 1 homozygote.

Submissions (4):

Women's Health and Genetics/Laboratory Corporation of America, LabCorp
Classification: Likely benign. Last evaluated: 2025-12-01. Review status: criteria provided, single submitter. Criteria: LabCorp Variant Classification Summary - May 2015. Collection method: clinical testing. Allele origin: germline.

CeGaT Center for Human Genetics Tuebingen
Classification: Likely benign. Last evaluated: 2025-07-01. Review status: criteria provided, single submitter. Criteria: CeGaT Center For Human Genetics Tuebingen Variant Classification Criteria Version 2. Collection method: clinical testing. Allele origin: germline. Affected: yes. Observed: 2 variant alleles.
Comment: TNXB: BP4, BP7

Ambry Genetics
Classification: Likely benign for Cardiovascular phenotype. Last evaluated: 2021-11-01. Review status: criteria provided, single submitter. Criteria: Ambry Variant Classification Scheme 2023. Collection method: clinical testing. Allele origin: germline.

GeneDx
Classification: Likely benign. Last evaluated: 2020-09-02. Review status: criteria provided, single submitter. Criteria: GeneDx Variant Classification Process June 2021. Collection method: clinical testing. Allele origin: germline. Affected: yes.

NM_001365276.2(TNXB):c.4566A>C (p.Ala1522=)

Gene: TNXB (tenascin XB; minus strand). Cytogenetic location: 6p21.33.
Variant type: single nucleotide variant.
Coding change: c.4566A>C on transcript NM_001365276.2 (MANE Select); coding-DNA position 4566, A replaced by C.
Protein change: p.Ala1522=; no amino-acid change (alanine 1522 retained).
Molecular consequence: synonymous variant.
Genome position (GRCh38, 1-based): chr6:32,073,762, T>G on the plus strand (A>C on the coding strand, the complement: TNXB is on the minus strand). VCF-style: chr6-32073762-T-G. GRCh37 (hg19) VCF-style: chr6-32041539-T-G.
Other names: c.4566A>C, p.Ala1522= (NM_019105.8).
Identifiers: ClinVar variation 1193919 (VCV001193919.40), dbSNP rs746695620, ClinGen allele CA3734926.